The following is an entry in ClinVar:

NM_004055.5(CAPN5):c.1754G>A (p.Arg585Gln)

Gene: CAPN5 (calpain 5; plus strand). Cytogenetic location: 11q13.5.
Variant type: single nucleotide variant.
Coding change: c.1754G>A on transcript NM_004055.5 (MANE Select); coding-DNA position 1754, G replaced by A.
Protein change: p.Arg585Gln; replaces arginine 585 with glutamine.
Molecular consequence: missense variant.
Genome position (GRCh38, 1-based): chr11:77,123,701, G>A. VCF-style: chr11-77123701-G-A. GRCh37 (hg19) VCF-style: chr11-76834747-G-A.
Other names: short protein forms R585Q.
Identifiers: ClinVar variation 1950274 (VCV001950274.6), dbSNP rs1555043316, ClinGen allele CA381944990.
Genomic context (GRCh38, chr11:77,123,701, plus strand): 5'-GTCTTGGAGGTAGCCCGCCCCTCCCATGATCCTCTGTCTCTTCCCAGGTCTGGAACCACC[G>A]AGTGCTGAAGGATGAATTTCTGGGCCAGGTGCACCTAAAGGCTGACCCGGACAACCTCCA-3'
Protein context (NP_004046.2, residues 575-595): QPITVQVWNH[Arg585Gln]VLKDEFLGQV

ClinVar aggregate classification (germline): Uncertain significance. Review status: criteria provided, multiple submitters, no conflicts (2 of 4 stars). 2 submissions from 2 submitters: Uncertain significance (2). Last evaluated 2025-09-10.

Allele frequency attached by ClinVar (database versions not stated): gnomAD 0.00001; TOPMed 0.00001.

Submissions (2):

Labcorp Genetics (formerly Invitae), Labcorp
Classification: Uncertain significance. Last evaluated: 2025-09-10. Review status: criteria provided, single submitter. Criteria: Invitae Variant Classification Sherloc (09022015). Collection method: clinical testing. Allele origin: germline.
Comment: This sequence change replaces arginine, which is basic and polar, with glutamine, which is neutral and polar, at codon 585 of the CAPN5 protein (p.Arg585Gln). This variant is present in population databases (no rsID available, gnomAD 0.009%). This variant has not been reported in the literature in individuals affected with CAPN5-related conditions. ClinVar contains an entry for this variant (Variation ID: 1950274). An algorithm developed to predict the effect of missense changes on protein structure and function (PolyPhen-2) suggests that this variant is likely to be tolerated. In summary, the available evidence is currently insufficient to determine the role of this variant in disease. Therefore, it has been classified as a Variant of Uncertain Significance.

Blueprint Genetics
Classification: Uncertain significance. Last evaluated: 2022-12-29. Review status: criteria provided, single submitter. Criteria: ACMG Guidelines, 2015. Collection method: clinical testing. Allele origin: germline.